The following is an entry in ClinVar:

NM_002645.4(PIK3C2A):c.2329G>A (p.Asp777Asn)

Gene: PIK3C2A (phosphatidylinositol-4-phosphate 3-kinase catalytic subunit type 2 alpha; minus strand). Cytogenetic location: 11p15.1.
Variant type: single nucleotide variant.
Coding change: c.2329G>A on transcript NM_002645.4 (MANE Select); coding-DNA position 2329, G replaced by A.
Protein change: p.Asp777Asn; replaces aspartic acid 777 with asparagine.
Molecular consequence: missense variant. On other transcripts: intron variant (1).
Genome position (GRCh38, 1-based): chr11:17,129,370, C>T on the plus strand (G>A on the coding strand, the complement: PIK3C2A is on the minus strand). VCF-style: chr11-17129370-C-T. GRCh37 (hg19) VCF-style: chr11-17150917-C-T.
Other names: c.2329G>A, p.Asp777Asn (NM_001321378.2); c.1189G>A, p.Asp397Asn (NM_001321380.2); c.2231+2546G>A (NM_001386870.1); c.2329G>A (NM_001321378.1); short protein forms D397N, D777N.
Identifiers: ClinVar variation 1528979 (VCV001528979.11), dbSNP rs149664988, ClinGen allele CA5901130.

ClinVar aggregate classification (germline): Likely benign. Review status: criteria provided, multiple submitters, no conflicts (2 of 4 stars). 4 submissions from 4 submitters: Likely benign (4). Last evaluated 2026-08-01.

Conditions:
PIK3C2A-related disorder. Also called: PIK3C2A-related condition.

Allele frequency attached by ClinVar (database versions not stated): 1000 Genomes Project 0.00040; gnomAD 0.00045 and 0.00050; 1000 Genomes Project 30x 0.00047; TOPMed 0.00051; ESP Exome Variant Server 0.00054; gnomAD exomes 0.00065 and 0.00087; ExAC 0.00083.
gnomAD v4.1: 1,053 of 1,613,366 alleles (0.065%); highest among the groups gnomAD compares: Middle Eastern, 0.28%; no homozygotes.

Submissions (4):

CeGaT Center for Human Genetics Tuebingen
Classification: Likely benign. Last evaluated: 2026-08-01. Review status: criteria provided, single submitter. Criteria: CeGaT Center For Human Genetics Tuebingen Variant Classification Criteria Version 2. Collection method: clinical testing. Allele origin: germline. Affected: yes. Observed: 2 variant alleles.
Comment: PIK3C2A: BS2

Labcorp Genetics (formerly Invitae), Labcorp
Classification: Likely benign. Last evaluated: 2025-12-27. Review status: criteria provided, single submitter. Criteria: Invitae Variant Classification Sherloc (09022015). Collection method: clinical testing. Allele origin: germline.

PreventionGenetics, part of Exact Sciences
Classification: Likely benign for PIK3C2A-related condition. Last evaluated: 2025-01-19. Review status: criteria provided, single submitter. Criteria: ACMG Guidelines, 2015. Collection method: clinical testing. Allele origin: germline.
Comment: This variant is classified as likely benign based on ACMG/AMP sequence variant interpretation guidelines (Richards et al. 2015 PMID: 25741868, with internal and published modifications).

Breakthrough Genomics
Classification: Likely benign. Review status: criteria provided, single submitter. Criteria: ACMG Guidelines, 2015. Collection method: not provided. Allele origin: germline. Inheritance: Autosomal recessive inheritance. Affected: yes.